The following is an entry in ClinVar:

ClinVar aggregate classification (germline): Uncertain significance (1 of 4 stars; one submission).

gnomAD v4.1: 2 of 1,614,042 alleles (0.00012%); highest among the groups gnomAD compares: African/African-American, 0.0027%; no homozygotes.

Submission:

Labcorp Genetics (formerly Invitae), Labcorp
Classification: Uncertain significance. Last evaluated: 2022-09-01. Review status: criteria provided, single submitter. Criteria: Invitae Variant Classification Sherloc (09022015). Collection method: clinical testing. Allele origin: germline.
Comment: ClinVar contains an entry for this variant (Variation ID: 1390098). This variant has not been reported in the literature in individuals affected with PPP2R5D-related conditions. This variant is present in population databases (rs762227983, gnomAD 0.01%). This sequence change replaces glutamic acid, which is acidic and polar, with aspartic acid, which is acidic and polar, at codon 154 of the PPP2R5D protein (p.Glu154Asp). Algorithms developed to predict the effect of missense changes on protein structure and function (SIFT, PolyPhen-2, Align-GVGD) all suggest that this variant is likely to be tolerated. In summary, the available evidence is currently insufficient to determine the role of this variant in disease. Therefore, it has been classified as a Variant of Uncertain Significance.

NM_006245.4(PPP2R5D):c.462G>T (p.Glu154Asp)

Gene: PPP2R5D (protein phosphatase 2 regulatory subunit B'delta; plus strand). Cytogenetic location: 6p21.1.
Variant type: single nucleotide variant.
Coding change: c.462G>T on transcript NM_006245.4 (MANE Select); coding-DNA position 462, G replaced by T.
Protein change: p.Glu154Asp; replaces glutamic acid 154 with aspartic acid.
Molecular consequence: missense variant.
Genome position (GRCh38, 1-based): chr6:43,007,050, G>T. VCF-style: chr6-43007050-G-T. GRCh37 (hg19) VCF-style: chr6-42974788-G-T.
Other names: c.9G>T, p.Glu3Asp (NM_001270476.2); c.366G>T, p.Glu122Asp (NM_180976.3); c.144G>T, p.Glu48Asp (NM_180977.3); short protein forms E154D, E3D, E122D, E48D.
Identifiers: ClinVar variation 1390098 (VCV001390098.6), dbSNP rs762227983, ClinGen allele CA3811819.